The following is an entry in ClinVar:

ClinVar aggregate classification (germline): Benign. Review status: criteria provided, multiple submitters, no conflicts (2 of 4 stars). 2 submissions from 2 submitters: Benign (2). Last evaluated 2018-06-19.

Allele frequency attached by ClinVar (database versions not stated): 1000 Genomes Project 0.09565; 1000 Genomes Project 30x 0.09588; TOPMed 0.14916; gnomAD 0.15908 and 0.16227; gnomAD exomes 0.17729.
gnomAD v4.1: 250,633 of 1,432,708 alleles (17%); highest among the groups gnomAD compares: Non-Finnish European, 19%; 23,923 homozygotes.

Submissions (2):

GeneDx
Classification: Benign. Last evaluated: 2018-06-19. Review status: criteria provided, single submitter. Criteria: GeneDx Variant Classification (06012015). Collection method: clinical testing. Allele origin: germline. Affected: yes.
Comment: This variant is considered likely benign or benign based on one or more of the following criteria: it is a conservative change, it occurs at a poorly conserved position in the protein, it is predicted to be benign by multiple in silico algorithms, and/or has population frequency not consistent with disease.

Breakthrough Genomics
Classification: Benign. Review status: criteria provided, single submitter. Criteria: ACMG Guidelines, 2015. Collection method: not provided. Allele origin: germline. Inheritance: Autosomal recessive inheritance. Affected: yes.

NM_003383.5(VLDLR):c.2105-106T>G

Gene: VLDLR (very low density lipoprotein receptor; plus strand). Cytogenetic location: 9p24.2.
Variant type: single nucleotide variant.
Coding change: c.2105-106T>G on transcript NM_003383.5 (MANE Select); 106 bases into the intron before coding-DNA position 2105, T replaced by G.
Molecular consequence: intron variant.
Genome position (GRCh38, 1-based): chr9:2,650,264, T>G. VCF-style: chr9-2650264-T-G. GRCh37 (hg19) VCF-style: chr9-2650264-T-G.
Other names: c.2105-106T>G (NM_001018056.3); c.1982-106T>G (NM_001322225.2, NM_001322226.2).
Identifiers: ClinVar variation 670832 (VCV000670832.2), dbSNP rs35730767, ClinGen allele CA13111939.